The following is an entry in ClinVar:

NM_000038.6(APC):c.5593C>A (p.Leu1865Ile)

Gene: APC (APC regulator of Wnt signaling pathway; plus strand). Cytogenetic location: 5q22.2.
Variant type: single nucleotide variant.
Coding change: c.5593C>A on transcript NM_000038.6 (MANE Select); coding-DNA position 5593, C replaced by A.
Protein change: p.Leu1865Ile; replaces leucine 1865 with isoleucine.
Molecular consequence: missense variant.
Genome position (GRCh38, 1-based): chr5:112,841,187, C>A. VCF-style: chr5-112841187-C-A. GRCh37 (hg19) VCF-style: chr5-112176884-C-A.
Other names: c.5113C>A, p.Leu1705Ile (NM_001354905.2); c.5593C>A, p.Leu1865Ile (NM_001407450.1, NM_001127510.3, NM_001354895.2); c.5647C>A, p.Leu1883Ile (NM_001407447.1, NM_001407448.1, NM_001407449.1 and 1 more transcripts); c.4744C>A, p.Leu1582Ile (NM_001354906.2, NM_001407470.1); c.5677C>A, p.Leu1893Ile (NM_001407446.1); c.5539C>A, p.Leu1847Ile (NM_001127511.3); c.5623C>A, p.Leu1875Ile (NM_001354897.2); c.5518C>A, p.Leu1840Ile (NM_001354898.2); and 11 more; short protein forms L1481I, L1705I, L1736I, L1764I, L1782I, L1847I, L1865I, L1883I.
Identifiers: ClinVar variation 1748503 (VCV001748503.2), dbSNP rs1064794887, ClinGen allele CA16033570.

ClinVar aggregate classification (germline): Uncertain significance (1 of 4 stars; one submission).

Conditions:
Hereditary cancer-predisposing syndrome. Also called: Hereditary Cancer Syndrome; Hereditary neoplastic syndrome; Neoplastic Syndromes, Hereditary; Tumor predisposition. Identifiers: Orphanet 140162, MedGen C0027672, MeSH D009386, MONDO:0015356.

Submission:

Ambry Genetics
Classification: Uncertain significance for Hereditary cancer-predisposing syndrome. Last evaluated: 2022-01-19. Review status: criteria provided, single submitter. Criteria: Ambry Variant Classification Scheme 2023. Collection method: clinical testing. Allele origin: germline.
Comment: The p.L1865I variant (also known as c.5593C>A), located in coding exon 15 of the APC gene, results from a C to A substitution at nucleotide position 5593. The leucine at codon 1865 is replaced by isoleucine, an amino acid with highly similar properties. This amino acid position is conserved. In addition, in silico predictors for this gene do not accurately predict pathogenicity. Since supporting evidence is limited at this time, the clinical significance of this alteration remains unclear.